The following is an entry in ClinVar:

ClinVar aggregate classification (germline): Uncertain significance (1 of 4 stars; one submission).

Conditions:
BBS9-related disorder. Also called: BBS9-related condition.

Submission:

PreventionGenetics, part of Exact Sciences
Classification: Uncertain significance for BBS9-related condition. Last evaluated: 2026-09-24. Review status: criteria provided, single submitter. Criteria: ACMG Guidelines, 2015. Collection method: clinical testing. Allele origin: germline.
Comment: The BBS9 c.1845G>C variant is predicted to result in the amino acid substitution p.Glu615Asp. To our knowledge, this variant has not been reported in the literature or in a large population database (gnomAD), indicating this variant is rare. At this time, the clinical significance of this variant is uncertain due to the absence of conclusive functional and genetic evidence.

NM_198428.3(BBS9):c.1845G>C (p.Glu615Asp)

Gene: BBS9 (Bardet-Biedl syndrome 9; plus strand). Cytogenetic location: 7p14.3.
Variant type: single nucleotide variant.
Coding change: c.1845G>C on transcript NM_198428.3 (MANE Select); coding-DNA position 1845, G replaced by C.
Protein change: p.Glu615Asp; replaces glutamic acid 615 with aspartic acid.
Molecular consequence: missense variant. On other transcripts: non-coding transcript variant (3).
Genome position (GRCh38, 1-based): chr7:33,383,721, G>C. VCF-style: chr7-33383721-G-C. GRCh37 (hg19) VCF-style: chr7-33423333-G-C.
Other names: c.1740G>C, p.Glu580Asp (NM_001033604.2); c.1830G>C, p.Glu610Asp (NM_001033605.2); c.1845G>C, p.Glu615Asp (NM_001348036.1, NM_001348041.4, NM_001348043.3 and 1 more transcripts); c.1479G>C, p.Glu493Asp (NM_001348037.3, NM_001348045.3, NM_001348046.3); c.1572G>C, p.Glu524Asp (NM_001348038.3); c.1467G>C, p.Glu489Asp (NM_001348039.3); c.1725G>C, p.Glu575Asp (NM_001348040.3, NM_014451.4); c.1710G>C, p.Glu570Asp (NM_001348042.3); and 1 more; short protein forms E524D, E580D, E610D, E489D, E493D, E615D, E458D, E570D.
Identifiers: ClinVar variation 4989500 (VCV004989500.1).